The following is an entry in ClinVar:

ClinVar aggregate classification (germline): Uncertain significance (1 of 4 stars; one submission).

Submission:

Labcorp Genetics (formerly Invitae), Labcorp
Classification: Uncertain significance. Last evaluated: 2025-11-27. Review status: criteria provided, single submitter. Criteria: Invitae Variant Classification Sherloc (09022015). Collection method: clinical testing. Allele origin: germline.
Comment: This sequence change replaces aspartic acid, which is acidic and polar, with histidine, which is basic and polar, at codon 2443 of the DCHS1 protein (p.Asp2443His). This variant is not present in population databases (gnomAD no frequency). This variant has not been reported in the literature in individuals affected with DCHS1-related conditions. Invitae Evidence Modeling of protein sequence and biophysical properties (such as structural, functional, and spatial information, amino acid conservation, physicochemical variation, residue mobility, and thermodynamic stability) indicates that this missense variant is not expected to disrupt DCHS1 protein function with a negative predictive value of 80%. In summary, the available evidence is currently insufficient to determine the role of this variant in disease. Therefore, it has been classified as a Variant of Uncertain Significance.

NM_003737.4(DCHS1):c.7327G>C (p.Asp2443His)

Gene: DCHS1 (dachsous cadherin-related 1; minus strand). Cytogenetic location: 11p15.4.
Variant type: single nucleotide variant.
Coding change: c.7327G>C on transcript NM_003737.4 (MANE Select); coding-DNA position 7327, G replaced by C.
Protein change: p.Asp2443His; replaces aspartic acid 2443 with histidine.
Molecular consequence: missense variant.
Genome position (GRCh38, 1-based): chr11:6,624,349, C>G on the plus strand (G>C on the coding strand, the complement: DCHS1 is on the minus strand). VCF-style: chr11-6624349-C-G. GRCh37 (hg19) VCF-style: chr11-6645580-C-G.
Other names: short protein forms D2443H.
Identifiers: ClinVar variation 4744181 (VCV004744181.1).
Genomic context (GRCh38, chr11:6,624,349, plus strand): 5'-CCCGGCCTGGAGCCCCGTGGTCTCGTGCTTCCAGCACCACATCCACTGCTCCTGACCCGT[C>G]ATGGCCCAAGGCCACTGTTCCCACTATTGTGAACAGGGTCCCTGAGATGAGAACGGAAGG-3'
Protein context (NP_003728.1, residues 2433-2453): TIVGTVALGH[Asp2443His]GSGAVDVVLE